The following is an entry in ClinVar:

NM_032119.4(ADGRV1):c.3727dup (p.Ile1243fs)

Gene: ADGRV1 (adhesion G protein-coupled receptor V1; plus strand). Cytogenetic location: 5q14.3.
Variant type: Duplication.
Coding change: c.3727dup on transcript NM_032119.4 (MANE Select); coding-DNA position 3727, one base duplicated (A; older notation c.3727dupA).
Protein change: p.Ile1243fs; shifts the reading frame from isoleucine 1243.
Molecular consequence: frameshift variant. On other transcripts: non-coding transcript variant (1).
Genome position (GRCh38, 1-based): chr5:90,653,301, A duplicated. VCF-style (leftmost placement, unchanged base first): chr5-90653300-T-TA. GRCh37 (hg19) VCF-style: chr5-89949117-T-TA.
Other names: c.3727dup (NM_032119.3); short protein forms I1243fs.
Identifiers: ClinVar variation 1454044 (VCV001454044.6), dbSNP rs1768907217, ClinGen allele CA1562840690.

ClinVar aggregate classification (germline): Pathogenic. Review status: criteria provided, multiple submitters, no conflicts (2 of 4 stars). 2 submissions from 2 submitters: Pathogenic (2). Last evaluated 2023-03-03.

Allele frequency attached by ClinVar (database versions not stated): gnomAD exomes below 0.00001; TOPMed below 0.00001.

Submissions (2):

GeneDx
Classification: Pathogenic. Last evaluated: 2023-03-03. Review status: criteria provided, single submitter. Criteria: GeneDx Variant Classification Process June 2021. Collection method: clinical testing. Allele origin: germline. Affected: yes.
Comment: Observed with second ADGRV1 variant in an adult with retinal dystrophy with non-leaking macular cystoid spaces, but it is not known whether the variants occurred on the same (in cis) or on different (in trans) chromosomes (Lingao et al. (2016); Frameshift variant predicted to result in protein truncation or nonsense mediated decay in a gene for which loss of function is a known mechanism of disease; Not observed at significant frequency in large population cohorts (gnomAD); This variant is associated with the following publications: (PMID: 22135276, 26226137, 31047384, 32467589, 19357117, 30718709, 26894784, 22147658)

Labcorp Genetics (formerly Invitae), Labcorp
Classification: Pathogenic. Last evaluated: 2022-07-12. Review status: criteria provided, single submitter. Criteria: Invitae Variant Classification Sherloc (09022015). Collection method: clinical testing. Allele origin: germline.
Comment: ClinVar contains an entry for this variant (Variation ID: 1454044). For these reasons, this variant has been classified as Pathogenic. This premature translational stop signal has been observed in individual(s) with clinical features of retinal dystrophy (PMID: 26894784). This variant is not present in population databases (gnomAD no frequency). This sequence change creates a premature translational stop signal (p.Ile1243Asnfs*18) in the ADGRV1 gene. It is expected to result in an absent or disrupted protein product. Loss-of-function variants in ADGRV1 are known to be pathogenic (PMID: 19357117, 22135276, 22147658, 26226137, 30718709, 31047384, 32467589).

Literature cited by the submitters: PubMed 26894784 (cited by Labcorp Genetics (formerly Invitae), Labcorp); PubMed 19357117 (cited by Labcorp Genetics (formerly Invitae), Labcorp); PubMed 22135276 (cited by Labcorp Genetics (formerly Invitae), Labcorp); PubMed 22147658 (cited by Labcorp Genetics (formerly Invitae), Labcorp); PubMed 26226137 (cited by Labcorp Genetics (formerly Invitae), Labcorp); PubMed 30718709 (cited by Labcorp Genetics (formerly Invitae), Labcorp); PubMed 31047384 (cited by Labcorp Genetics (formerly Invitae), Labcorp); PubMed 32467589 (cited by Labcorp Genetics (formerly Invitae), Labcorp).